The following is an entry in ClinVar:

NM_000051.4(ATM):c.8532T>C (p.Ile2844=)

Genes: ATM (ATM serine/threonine kinase; plus strand), C11orf65 (chromosome 11 open reading frame 65; minus strand). Cytogenetic location: 11q22.3.
Variant type: single nucleotide variant.
Coding change: c.8532T>C on transcript NM_000051.4 (MANE Select); coding-DNA position 8532, T replaced by C.
Protein change: p.Ile2844=; no amino-acid change (isoleucine 2844 retained).
Molecular consequence: synonymous variant. On other transcripts: intron variant (2).
Genome position (GRCh38, 1-based): chr11:108,345,856, T>C. VCF-style: chr11-108345856-T-C. GRCh37 (hg19) VCF-style: chr11-108216583-T-C.
Other names: p.I2844I:ATT>ATC; c.8532T>C, p.Ile2844= (NM_001351834.2); c.641-36785A>G (NM_001330368.2); c.695-10564A>G (NM_001351110.2).
Identifiers: ClinVar variation 181843 (VCV000181843.37), dbSNP rs730881278, ClinGen allele CA297972.

ClinVar aggregate classification (germline): Conflicting classifications of pathogenicity. Review status: criteria provided, conflicting classifications (1 of 4 stars). 18 submissions from 18 submitters: Uncertain significance (1); Benign (4); Likely benign (10). 3 of the submissions do not count toward it. Last evaluated 2026-01-26.

Conditions:
ATM-related disorder. Also called: ATM-related disorders; ATM-related condition.
Hereditary cancer-predisposing syndrome. Also called: Hereditary Cancer Syndrome; Tumor predisposition; Neoplastic Syndromes, Hereditary; Hereditary neoplastic syndrome. Identifiers: Orphanet 140162, MedGen C0027672, MeSH D009386, MONDO:0015356.
Familial cancer of breast. Also called: hereditary breast carcinoma; BREAST CANCER, FAMILIAL; Hereditary breast cancer. Identifiers: Orphanet 227535, MedGen C0346153, MONDO:0016419, OMIM 114480. Disease mechanism: loss of function.
Ataxia-telangiectasia syndrome (AT). Also called: ATAXIA-TELANGIECTASIA, COMPLEMENTATION GROUP A; ATAXIA-TELANGIECTASIA, FRESNO VARIANT; Ataxia-telangiectasia; Ataxia-telangiectasia, complementation group E; Cerebello-oculocutaneous telangiectasia; Immunodeficiency with ataxia telangiectasia. Identifiers: Orphanet 100, MedGen C0004135, MONDO:0008840, OMIM 208900.

Allele frequency attached by ClinVar (database versions not stated): gnomAD exomes 0.00001 and 0.00003; gnomAD 0.00001; TOPMed 0.00002; ExAC 0.00003.
gnomAD v4.1: 23 of 1,613,738 alleles (0.0014%); highest among the groups gnomAD compares: Middle Eastern, 0.12%; no homozygotes.

Submissions (18):

Labcorp Genetics (formerly Invitae), Labcorp
Classification: Benign for Ataxia-telangiectasia syndrome. Last evaluated: 2026-01-26. Review status: criteria provided, single submitter. Criteria: Invitae Variant Classification Sherloc (09022015). Collection method: clinical testing. Allele origin: germline.

Quest Diagnostics Nichols Institute San Juan Capistrano
Classification: Likely benign. Last evaluated: 2025-10-09. Review status: criteria provided, single submitter. Criteria: Quest Diagnostics criteria. Collection method: clinical testing. Allele origin: unknown.

Molecular Diagnostics Laboratory, Catalan Institute of Oncology
Classification: Likely benign for Hereditary cancer-predisposing syndrome. Last evaluated: 2025-04-29. Review status: criteria provided, single submitter. Criteria: ClinGen ACMG Specifications ATM V1.1.0. Collection method: clinical testing. Allele origin: germline.
Comment: BP4, BP7 c.8532T>C, located in exon 58 of the ATM gene, is predicted to result in no amino acid change, p.(Ile2844=) (BP7). This variant is found in 9/268090 alleles at a frequency of 0.0034% in the gnomAD v2.1.1 database, non-cancer dataset. The SpliceAI algorithm predicts no significant impact on splicing (BP4). To our knowledge, neither relevant clinical data nor functional studies have been reported for this variant. This variant has been reported in ClinVar (4x benign, 9x likely benign, 1x uncertain significance) and LOVD (3x likely benign) databases. Based on currently available information, the variant c.8532T>C should be considered a likely benign variant.

Center for Genomic Medicine, Rigshospitalet, Copenhagen University Hospital
Classification: Likely benign. Last evaluated: 2025-03-04. Review status: criteria provided, single submitter. Criteria: ACMG Guidelines, 2015. Collection method: clinical testing. Allele origin: germline.

KCCC/NGS Laboratory, Kuwait Cancer Control Center
Classification: Benign for Familial cancer of breast. Last evaluated: 2025-02-01. Review status: criteria provided, single submitter. Criteria: ACMG Guidelines, 2015. Collection method: clinical testing. Allele origin: germline. Affected: no.

Institute for Biomarker Research, Medical Diagnostic Laboratories, L.L.C.
Classification: Likely benign for Hereditary cancer-predisposing syndrome. Last evaluated: 2024-09-16. Review status: criteria provided, single submitter. Criteria: ACMG Guidelines, 2015. Collection method: clinical testing. Allele origin: germline.
Comment: The synonymous variant NM_000051.4(ATM):c.8532T>C (p.Ile2844=) has not been reported previously as a pathogenic variant nor as a benign variant, to our knowledge. The p.Ile2844= variant is observed in 6/113,572 (0.0053%) alleles from individuals of gnomAD Non Finnish European background in gnomAD. The p.Ile2844= variant is predicted to introduce a novel splice site by 1 of 4 splice site algorithms. The p.Ile2844= variant results in a substitution of a base that is not predicted conserved by GERP++ and PhyloP. For these reasons, this variant has been classified as Likely Benign.

Blueprint Genetics
Classification: Likely benign. Last evaluated: 2024-08-28. Review status: criteria provided, single submitter. Criteria: ACMG Guidelines, 2015. Collection method: clinical testing. Allele origin: germline.

Myriad Genetics, Inc.
Classification: Benign for Familial cancer of breast. Last evaluated: 2024-06-20. Review status: criteria provided, single submitter. Criteria: Myriad Autosomal Dominant, Autosomal Recessive and X-Linked Classification Criteria (2023). Collection method: clinical testing. Allele origin: unknown.
Comment: This variant is considered benign. This variant is a silent/synonymous amino acid change and it is not expected to impact splicing.

Department of Pathology and Laboratory Medicine, Sinai Health System
Classification: Likely benign for Familial cancer of breast. Last evaluated: 2023-05-23. Review status: criteria provided, single submitter. Criteria: ACMG Guidelines, 2015. Collection method: clinical testing. Allele origin: germline. Affected: yes.

Sema4
Classification: Likely benign for Hereditary cancer-predisposing syndrome. Last evaluated: 2022-03-05. Review status: criteria provided, single submitter. Criteria: Sema4 Curation Guidelines. Collection method: curation. Allele origin: germline.

Women's Health and Genetics/Laboratory Corporation of America, LabCorp
Classification: Likely benign. Last evaluated: 2019-08-21. Review status: criteria provided, single submitter. Criteria: LabCorp Variant Classification Summary - May 2015. Collection method: clinical testing. Allele origin: germline.

Illumina Laboratory Services, Illumina
Classification: Uncertain significance for Ataxia-telangiectasia syndrome. Last evaluated: 2017-04-27. Review status: criteria provided, single submitter. Criteria: ICSL Variant Classification Criteria 13 December 2019. Collection method: clinical testing. Allele origin: germline.

Color Diagnostics, LLC DBA Color Health
Classification: Likely benign for Hereditary cancer-predisposing syndrome. Last evaluated: 2017-02-16. Review status: criteria provided, single submitter. Criteria: ACMG Guidelines, 2015. Collection method: clinical testing. Allele origin: germline.

Ambry Genetics
Classification: Likely benign for Hereditary cancer-predisposing syndrome. Last evaluated: 2014-08-04. Review status: criteria provided, single submitter. Criteria: Ambry Variant Classification Scheme 2023. Collection method: clinical testing. Allele origin: germline.

GeneDx
Classification: Benign. Last evaluated: 2014-06-26. Review status: criteria provided, single submitter. Criteria: GeneDx Variant Classification (06012015). Collection method: clinical testing. Allele origin: germline. Affected: yes.
Comment: This variant is considered likely benign or benign based on one or more of the following criteria: it is a conservative change, it occurs at a poorly conserved position in the protein, it is predicted to be benign by multiple in silico algorithms, and/or has population frequency not consistent with disease.

PreventionGenetics, part of Exact Sciences
Classification: Likely benign for ATM-related condition. Last evaluated: 2019-12-17. Review status: no assertion criteria provided. Collection method: clinical testing. Allele origin: germline. Not counted in ClinVar's aggregate classification.
Comment: This variant is classified as likely benign based on ACMG/AMP sequence variant interpretation guidelines (Richards et al. 2015 PMID: 25741868, with internal and published modifications).

Genome Diagnostics Laboratory, Amsterdam University Medical Center
Classification: Likely benign. Review status: no assertion criteria provided. Collection method: clinical testing. Allele origin: germline. Affected: yes. Study: VKGL Data-share Consensus. Not counted in ClinVar's aggregate classification.

Joint Genome Diagnostic Labs from Nijmegen and Maastricht, Radboudumc and MUMC+
Classification: Likely benign. Review status: no assertion criteria provided. Collection method: clinical testing. Allele origin: germline. Affected: yes. Study: VKGL Data-share Consensus. Not counted in ClinVar's aggregate classification.